The following is an entry in ClinVar:

ClinVar aggregate classification (germline): Uncertain significance (1 of 4 stars; one submission).

Submission:

GeneDx
Classification: Uncertain significance. Last evaluated: 2019-10-22. Review status: criteria provided, single submitter. Criteria: GeneDx Variant Classification Process June 2021. Collection method: clinical testing. Allele origin: germline. Affected: yes.
Comment: Not observed in large population cohorts (Lek et al., 2016); In silico analysis, which includes protein predictors and evolutionary conservation, supports a deleterious effect; Has not been previously published as pathogenic or benign to our knowledge; In-silico analysis, which includes splice predictors and evolutionary conservation, is inconclusive as to whether the variant alters gene splicing. In the absence of RNA/functional studies, the actual effect of this sequence change is unknown.

NM_003470.3(USP7):c.1940C>T (p.Thr647Ile)

Gene: USP7 (ubiquitin specific peptidase 7; minus strand). Cytogenetic location: 16p13.2.
Variant type: single nucleotide variant.
Coding change: c.1940C>T on transcript NM_003470.3 (MANE Select); coding-DNA position 1940, C replaced by T.
Protein change: p.Thr647Ile; replaces threonine 647 with isoleucine.
Molecular consequence: missense variant. On other transcripts: non-coding transcript variant (1).
Genome position (GRCh38, 1-based): chr16:8,902,382, G>A on the plus strand (C>T on the coding strand, the complement: USP7 is on the minus strand). VCF-style: chr16-8902382-G-A. GRCh37 (hg19) VCF-style: chr16-8996239-G-A.
Other names: c.1892C>T, p.Thr631Ile (NM_001286457.2); c.1643C>T, p.Thr548Ile (NM_001286458.2); c.1766C>T, p.Thr589Ile (NM_001321858.2); short protein forms T548I, T589I, T631I, T647I.
Identifiers: ClinVar variation 1200925 (VCV001200925.3), dbSNP rs759156719, ClinGen allele CA394700020.
Genomic context (GRCh38, chr16:8,902,382, plus strand): 5'-GCAGAGGACTAACGCCTTCTGCACGGTTCCAAACCAGATACGCTATTAACAATATTTACT[G>A]TTTTATTGCCGTCGGCTTCATTATCTAACATTGCTGGTCGTTTTGTTCCATTACTCCTTG-3'
Protein context (NP_003461.2, residues 637-657): MLDNEADGNK[Thr647Ile]MIELSDNENP